The following is an entry in ClinVar:

ClinVar aggregate classification (germline): Benign/Likely benign. Review status: criteria provided, multiple submitters, no conflicts (2 of 4 stars). 4 submissions from 4 submitters: Benign (3); Likely benign (1). Last evaluated 2025-12-21.

Conditions:
Microcephaly 7, primary, autosomal recessive. Identifiers: Orphanet 2512, MedGen C2675187, MONDO:0012989, OMIM 612703.

Allele frequency attached by ClinVar (database versions not stated): ESP Exome Variant Server 0.00062; TOPMed 0.00160; gnomAD exomes 0.00230 and 0.00509; gnomAD 0.00362 and 0.00405; ExAC 0.00494; 1000 Genomes Project 30x 0.00765; 1000 Genomes Project 0.00879.
gnomAD v4.1: 3,947 of 1,597,570 alleles (0.25%); highest among the groups gnomAD compares: East Asian, 3.2%; 56 homozygotes.

Submissions (4):

Labcorp Genetics (formerly Invitae), Labcorp
Classification: Benign. Last evaluated: 2025-12-21. Review status: criteria provided, single submitter. Criteria: Invitae Variant Classification Sherloc (09022015). Collection method: clinical testing. Allele origin: germline.

Blueprint Genetics
Classification: Likely benign. Last evaluated: 2024-11-25. Review status: criteria provided, single submitter. Criteria: ACMG Guidelines, 2015. Collection method: clinical testing. Allele origin: germline.

Illumina Laboratory Services, Illumina
Classification: Benign for Microcephaly 7, primary, autosomal recessive. Last evaluated: 2018-01-13. Review status: criteria provided, single submitter. Criteria: ICSL Variant Classification Criteria 13 December 2019. Collection method: clinical testing. Allele origin: germline.
Comment: This variant was observed in the ICSL laboratory as part of a predisposition screen in an ostensibly healthy population. It had not been previously curated by ICSL or reported in the Human Gene Mutation Database (HGMD: prior to June 1st, 2018), and was therefore a candidate for classification through an automated scoring system. Utilizing variant allele frequency, disease prevalence and penetrance estimates, and inheritance mode, an automated score was calculated to assess if this variant is too frequent to cause the disease. Based on the score and internal cut-off values, a variant classified as benign is not then subjected to further curation. The score for this variant resulted in a classification of benign for this disease.

GeneDx
Classification: Benign. Last evaluated: 2016-01-27. Review status: criteria provided, single submitter. Criteria: GeneDx Variant Classification (06012015). Collection method: clinical testing. Allele origin: germline. Affected: yes.
Comment: This variant is considered likely benign or benign based on one or more of the following criteria: it is a conservative change, it occurs at a poorly conserved position in the protein, it is predicted to be benign by multiple in silico algorithms, and/or has population frequency not consistent with disease.

NM_001048166.1(STIL):c.2384-13A>G

Gene: STIL (STIL centriolar assembly protein; minus strand). Cytogenetic location: 1p33.
Variant type: single nucleotide variant.
Coding change: c.2384-13A>G on transcript NM_001048166.1 (MANE Select); 13 bases into the intron before coding-DNA position 2384, A replaced by G.
Molecular consequence: intron variant.
Genome position (GRCh38, 1-based): chr1:47,269,879, T>C on the plus strand (A>G on the coding strand, the complement: STIL is on the minus strand). VCF-style: chr1-47269879-T-C. GRCh37 (hg19) VCF-style: chr1-47735551-T-C.
Other names: c.2384-13A>G (NM_003035.2, NM_001282937.1, NM_001282936.1); c.2243-13A>G (NM_001282939.1, NM_001282938.1).
Identifiers: ClinVar variation 297555 (VCV000297555.13), dbSNP rs140975915, ClinGen allele CA842178.